The following is an entry in ClinVar:

ClinVar aggregate classification (germline): Conflicting classifications of pathogenicity. Review status: criteria provided, conflicting classifications (1 of 4 stars). 3 submissions from 3 submitters: Likely pathogenic (2); Uncertain significance (1). Last evaluated 2026-02-10.

Conditions:
Inborn genetic diseases. Identifiers: MedGen C0950123, MeSH D030342.

gnomAD v4.1: 18 of 1,613,552 alleles (0.0011%); highest among the groups gnomAD compares: Non-Finnish European, 0.0015%; no homozygotes.

Submissions (3):

GeneDx
Classification: Likely pathogenic. Last evaluated: 2026-02-10. Review status: criteria provided, single submitter. Criteria: GeneDx Variant Classification Process June 2021. Collection method: clinical testing. Allele origin: germline.
Comment: Not observed at significant frequency in large population cohorts (gnomAD); In silico analysis suggests that this missense variant does not alter protein structure/function; This variant is associated with the following publications: (PMID: 34441767)

Ambry Genetics
Classification: Likely pathogenic for Inborn genetic diseases. Last evaluated: 2026-01-14. Review status: criteria provided, single submitter. Criteria: Ambry Variant Classification Scheme 2023. Collection method: clinical testing. Allele origin: germline.
Comment: The c.1391T>C (p.I464T) alteration is located in exon 5 (coding exon 5) of the YARS2 gene. This alteration results from a T to C substitution at nucleotide position 1391, causing the isoleucine (I) at amino acid position 464 to be replaced by a threonine (T). This variant was not reported in population-based cohorts in the Genome Aggregation Database (gnomAD). This variant has been identified in the homozygous state and/or in conjunction with other variant(s) in this same gene in individual(s) with features consistent with YARS2-related myopathy, lactic acidosis, and sideroblastic anemia and segregated with disease in at least one family (Carre&ntilde;o-Gago, 2021). This amino acid position is not well conserved in available vertebrate species. The in silico prediction for this alteration is inconclusive. Based on the available evidence, this alteration is classified as likely pathogenic.

Labcorp Genetics (formerly Invitae), Labcorp
Classification: Uncertain significance. Last evaluated: 2025-12-29. Review status: criteria provided, single submitter. Criteria: Invitae Variant Classification Sherloc (09022015). Collection method: clinical testing. Allele origin: germline.
Comment: This sequence change replaces isoleucine, which is neutral and non-polar, with threonine, which is neutral and polar, at codon 464 of the YARS2 protein (p.Ile464Thr). This variant is not present in population databases (gnomAD no frequency). This missense change has been observed in individual(s) with clinical features of myopathy, lactic acidosis, and sideroblastic anemia (PMID: 34441767). In at least one individual the data is consistent with being in trans (on the opposite chromosome) from a pathogenic variant. It has also been observed to segregate with disease in related individuals. Invitae Evidence Modeling of protein sequence and biophysical properties (such as structural, functional, and spatial information, amino acid conservation, physicochemical variation, residue mobility, and thermodynamic stability) has been performed for this missense variant. However, the output from this modeling did not meet the statistical confidence thresholds required to predict the impact of this variant on YARS2 protein function. In summary, the available evidence is currently insufficient to determine the role of this variant in disease. Therefore, it has been classified as a Variant of Uncertain Significance.

Literature cited by the submitters: PubMed 34441767 (cited by Ambry Genetics and Labcorp Genetics (formerly Invitae), Labcorp).

NM_001040436.3(YARS2):c.1391T>C (p.Ile464Thr)

Gene: YARS2 (tyrosyl-tRNA synthetase 2; minus strand). Cytogenetic location: 12p11.21.
Variant type: single nucleotide variant.
Coding change: c.1391T>C on transcript NM_001040436.3 (MANE Select); coding-DNA position 1391, T replaced by C.
Protein change: p.Ile464Thr; replaces isoleucine 464 with threonine.
Molecular consequence: missense variant.
Genome position (GRCh38, 1-based): chr12:32,747,247, A>G on the plus strand (T>C on the coding strand, the complement: YARS2 is on the minus strand). VCF-style: chr12-32747247-A-G. GRCh37 (hg19) VCF-style: chr12-32900181-A-G.
Other names: c.1391T>C (NM_001040436.2); short protein forms I464T.
Identifiers: ClinVar variation 4749319 (VCV004749319.3).